The following is an entry in ClinVar:

NM_001035.3(RYR2):c.9506C>A (p.Ala3169Glu)

Gene: RYR2 (ryanodine receptor 2; plus strand). Cytogenetic location: 1q43.
Variant type: single nucleotide variant.
Coding change: c.9506C>A on transcript NM_001035.3 (MANE Select); coding-DNA position 9506, C replaced by A.
Protein change: p.Ala3169Glu; replaces alanine 3169 with glutamic acid.
Molecular consequence: missense variant.
Genome position (GRCh38, 1-based): chr1:237,705,269, C>A. VCF-style: chr1-237705269-C-A. GRCh37 (hg19) VCF-style: chr1-237868569-C-A.
Other names: short protein forms A3169E.
Identifiers: ClinVar variation 3007703 (VCV003007703.3), dbSNP rs1411593172, ClinGen allele CA345407590.
Genomic context (GRCh38, chr1:237,705,269, plus strand): 5'-ATAGGCAACGTTCTGCATTAGGAGAATGTCTAGCTGCCTTTGCTGGTGCTTTTCCTGTAG[C>A]ATTTTTGGAAACTCATCTGGACAAACATAATATTTACTCCATCTACAATACCAAGTCTTC-3'
Protein context (NP_001026.2, residues 3159-3179): LAAFAGAFPV[Ala3169Glu]FLETHLDKHN

ClinVar aggregate classification (germline): Uncertain significance (1 of 4 stars; one submission).

Conditions:
Catecholaminergic polymorphic ventricular tachycardia 1. Also called: VENTRICULAR TACHYCARDIA, CATECHOLAMINERGIC POLYMORPHIC, 1, WITH OR WITHOUT ATRIAL DYSFUNCTION AND/OR DILATED CARDIOMYOPATHY; VENTRICULAR TACHYCARDIA, STRESS-INDUCED POLYMORPHIC 1; RYR2-Related Catecholaminergic Polymorphic Ventricular Tachycardia. Identifiers: Orphanet 3286, MedGen C1631597, MONDO:0011484, OMIM 604772.

Submission:

Labcorp Genetics (formerly Invitae), Labcorp
Classification: Uncertain significance for Catecholaminergic polymorphic ventricular tachycardia 1. Last evaluated: 2023-01-29. Review status: criteria provided, single submitter. Criteria: Invitae Variant Classification Sherloc (09022015). Collection method: clinical testing. Allele origin: germline.
Comment: This sequence change replaces alanine, which is neutral and non-polar, with glutamic acid, which is acidic and polar, at codon 3169 of the RYR2 protein (p.Ala3169Glu). This variant is not present in population databases (gnomAD no frequency). This variant has not been reported in the literature in individuals affected with RYR2-related conditions. Advanced modeling of protein sequence and biophysical properties (such as structural, functional, and spatial information, amino acid conservation, physicochemical variation, residue mobility, and thermodynamic stability) performed at Invitae indicates that this missense variant is expected to disrupt RYR2 protein function. In summary, the available evidence is currently insufficient to determine the role of this variant in disease. Therefore, it has been classified as a Variant of Uncertain Significance.